The following is an entry in ClinVar:

ClinVar aggregate classification (germline): Uncertain significance (1 of 4 stars; one submission).

Conditions:
Borjeson-Forssman-Lehmann syndrome (BFLS). Also called: BORJESON SYNDROME; MENTAL RETARDATION, X-LINKED, SYNDROMIC, BORJESON-FORSSMAN-LEHMANN TYPE; MENTAL RETARDATION, EPILEPSY, AND ENDOCRINE DISORDERS. Identifiers: Orphanet 127, MedGen C0265339, MONDO:0010537, OMIM 301900.

Submission:

Labcorp Genetics (formerly Invitae), Labcorp
Classification: Uncertain significance for Borjeson-Forssman-Lehmann syndrome. Last evaluated: 2020-09-27. Review status: criteria provided, single submitter. Criteria: Invitae Variant Classification Sherloc (09022015). Collection method: clinical testing. Allele origin: germline.
Comment: This variant is not present in population databases (ExAC no frequency). This sequence change replaces glycine with alanine at codon 29 of the PHF6 protein (p.Gly29Ala). The glycine residue is highly conserved and there is a small physicochemical difference between glycine and alanine. This variant has been observed in individual(s) with clinical features of Borjeson-Forssman-Lehmann syndrome (Invitae). Algorithms developed to predict the effect of missense changes on protein structure and function (SIFT, PolyPhen-2, Align-GVGD) all suggest that this variant is likely to be disruptive, but these predictions have not been confirmed by published functional studies and their clinical significance is uncertain. In summary, the available evidence is currently insufficient to determine the role of this variant in disease. Therefore, it has been classified as a Variant of Uncertain Significance.

NM_001015877.2(PHF6):c.86G>C (p.Gly29Ala)

Gene: PHF6 (PHD finger protein 6; plus strand). Cytogenetic location: Xq26.2.
Variant type: single nucleotide variant.
Coding change: c.86G>C on transcript NM_001015877.2 (MANE Select); coding-DNA position 86, G replaced by C.
Protein change: p.Gly29Ala; replaces glycine 29 with alanine.
Molecular consequence: missense variant.
Genome position (GRCh38, 1-based): chrX:134,377,703, G>C. VCF-style: chrX-134377703-G-C. GRCh37 (hg19) VCF-style: chrX-133511733-G-C.
Other names: c.86G>C, p.Gly29Ala (NM_032335.3, NM_032458.3); short protein forms G29A.
Identifiers: ClinVar variation 1010319 (VCV001010319.8), dbSNP rs2077284343, ClinGen allele CA414710779.